The following is an entry in ClinVar:

ClinVar aggregate classification (germline): Uncertain significance (1 of 4 stars; one submission).

Conditions:
Familial sleep-related hypermotor epilepsy. Also called: Autosomal Dominant Sleep-Related Hypermotor (Hyperkinetic) Epilepsy. Identifiers: Orphanet 98784, MedGen C3696898, MONDO:0000030.

Allele frequency attached by ClinVar (database versions not stated): gnomAD 0.00001.
gnomAD v4.1: 1 of 1,595,424 alleles (0.000063%); highest among the groups gnomAD compares: Non-Finnish European, 0.000086%; no homozygotes.

Submission:

Labcorp Genetics (formerly Invitae), Labcorp
Classification: Uncertain significance. Last evaluated: 2021-12-24. Review status: criteria provided, single submitter. Criteria: Invitae Variant Classification Sherloc (09022015). Collection method: clinical testing. Allele origin: germline.
Comment: This sequence change replaces tryptophan, which is neutral and slightly polar, with arginine, which is basic and polar, at codon 423 of the CHRNA2 protein (p.Trp423Arg). This variant is not present in population databases (gnomAD no frequency). This variant has not been reported in the literature in individuals affected with CHRNA2-related conditions. Advanced modeling of protein sequence and biophysical properties (such as structural, functional, and spatial information, amino acid conservation, physicochemical variation, residue mobility, and thermodynamic stability) performed at Invitae indicates that this missense variant is not expected to disrupt CHRNA2 protein function. In summary, the available evidence is currently insufficient to determine the role of this variant in disease. Therefore, it has been classified as a Variant of Uncertain Significance.

NM_000742.4(CHRNA2):c.1267T>C (p.Trp423Arg)

Gene: CHRNA2 (cholinergic receptor nicotinic alpha 2 subunit; minus strand). Cytogenetic location: 8p21.2.
Variant type: single nucleotide variant.
Coding change: c.1267T>C on transcript NM_000742.4 (MANE Select); coding-DNA position 1267, T replaced by C.
Protein change: p.Trp423Arg; replaces tryptophan 423 with arginine.
Molecular consequence: missense variant.
Genome position (GRCh38, 1-based): chr8:27,463,176, A>G on the plus strand (T>C on the coding strand, the complement: CHRNA2 is on the minus strand). VCF-style: chr8-27463176-A-G. GRCh37 (hg19) VCF-style: chr8-27320693-A-G.
Other names: c.1222T>C, p.Trp408Arg (NM_001282455.2); c.790T>C, p.Trp264Arg (NM_001347705.2, NM_001347706.2); c.673T>C, p.Trp225Arg (NM_001347707.2, NM_001347708.2); short protein forms W264R, W408R, W225R, W423R.
Identifiers: ClinVar variation 2059127 (VCV002059127.4), dbSNP rs1812559230, ClinGen allele CA370809011.